The following is an entry in ClinVar:

ClinVar aggregate classification (germline): Likely pathogenic (1 of 4 stars; one submission).

Conditions:
SLC12A2-related disorder. Also called: SLC12A2-related disorders; SLC12A2-related condition.

Submission:

Women's Health and Genetics/Laboratory Corporation of America, LabCorp
Classification: Likely pathogenic for SLC12A2-Related Disorders. Last evaluated: 2023-04-18. Review status: criteria provided, single submitter. Criteria: LabCorp Variant Classification Summary - May 2015. Collection method: clinical testing. Allele origin: germline.
Comment: Variant summary: SLC12A2 c.1279G>T (p.Gly427X) results in a premature termination codon, predicted to cause a truncation of the encoded protein or absence of the protein due to nonsense mediated decay, which are commonly known mechanisms for disease. The variant was absent in 250904 control chromosomes (gnomAD). To our knowledge, no occurrence of c.1279G>T in individuals affected with SLC12A2-Related Disorders and no experimental evidence demonstrating its impact on protein function have been reported. No clinical diagnostic laboratories have submitted clinical-significance assessments for this variant to ClinVar after 2014. Based on the evidence outlined above, the variant was classified as likely pathogenic.

NM_001046.3(SLC12A2):c.1279G>T (p.Gly427Ter)

Gene: SLC12A2 (solute carrier family 12 member 2; plus strand). Cytogenetic location: 5q23.3.
Variant type: single nucleotide variant.
Coding change: c.1279G>T on transcript NM_001046.3 (MANE Select); coding-DNA position 1279, G replaced by T.
Protein change: p.Gly427Ter; replaces glycine 427 with a stop codon.
Molecular consequence: nonsense. On other transcripts: non-coding transcript variant (1).
Genome position (GRCh38, 1-based): chr5:128,134,255, G>T. VCF-style: chr5-128134255-G-T. GRCh37 (hg19) VCF-style: chr5-127469947-G-T.
Other names: c.1279G>T (NM_001046.2); c.1279G>T, p.Gly427Ter (NM_001256461.2); short protein forms G427*.
Identifiers: ClinVar variation 2503954 (VCV002503954.1), dbSNP rs2479357233, ClinGen allele CA360742331.
Genomic context (GRCh38, chr5:128,134,255, plus strand): 5'-AATGATATCCGAATTATTGGAGCCATTACAGTCGTGATTCTTTTAGGTATCTCAGTAGCT[G>T]GAATGGAGTGGGAAGCAAAAGTAAGTTATGATAGGAACACCTGTAAATATTTAATACGTA-3'